The following is an entry in ClinVar:

NC_000012.12:g.(?_102917061)_(102917140_?)del

Gene: PAH (phenylalanine hydroxylase; minus strand). Cytogenetic location: 12q23.2.
Variant type: Deletion.
Identifiers: ClinVar variation 646971 (VCV000646971.8).

ClinVar aggregate classification (germline): Pathogenic (1 of 4 stars; one submission).

Conditions:
Phenylketonuria (PKU). Also called: OLIGOPHRENIA PHENYLPYRUVICA; Phenylketonurias; FOLLING DISEASE; Phenylketonuria (PKU). Identifiers: Orphanet 716, MedGen C0031485, MONDO:0009861, OMIM 261600. Disease mechanism: loss of function.

Submission:

Labcorp Genetics (formerly Invitae), Labcorp
Classification: Pathogenic for Phenylketonuria. Last evaluated: 2022-02-21. Review status: criteria provided, single submitter. Criteria: Invitae Variant Classification Sherloc (09022015). Collection method: clinical testing. Allele origin: germline.
Comment: A similar copy number variant has been observed in individuals with hyperphenylalaninemia (PMID: 22333022, 26666653). For these reasons, this variant has been classified as Pathogenic. This variant is a gross deletion of the genomic region encompassing exon(s) 1 of the PAH gene, which includes the initiator codon. This deletion extends beyond the assayed region for this gene and therefore may encompass additional genes. It is expected to result in an absent or disrupted protein product. Loss-of-function variants in PAH are known to be pathogenic (PMID: 1301187, 9634518).

Literature cited by the submitters: PubMed 22333022; PubMed 26666653; PubMed 1301187; PubMed 9634518.